The following is an entry in ClinVar:

NM_002430.3(MN1):c.1572GCA[11] (p.Gln550_Arg551insGlnGln)

Gene: MN1 (MN1 proto-oncogene, transcriptional regulator; minus strand). Cytogenetic location: 22q12.1.
Variant type: Microsatellite.
Coding change: c.1572GCA[11] on transcript NM_002430.3 (MANE Select); 11 copies in a row of the 3-base unit GCA starting at c.1572; the reference has nine copies in a row; two copies, 6 bases duplicated.
Protein change: p.Gln550_Arg551insGlnGln.
Molecular consequence: inframe insertion.
Genome position (GRCh38, 1-based): chr22:27,798,946-27,798,951, TGCTGC duplicated on the plus strand (GCAGCA on the coding strand, the reverse complement: MN1 is on the minus strand); duplicating any 6 consecutive bases within chr22:27,798,946-27,798,974 gives the same sequence; the position shown is the placement nearest the transcript's 3' end. VCF-style (leftmost placement, unchanged base first): chr22-27798945-T-TTGCTGC. GRCh37 (hg19) VCF-style: chr22-28194933-T-TTGCTGC.
Identifiers: ClinVar variation 2358945 (VCV002358945.27), dbSNP rs34890218, ClinGen allele CA10166388.

ClinVar aggregate classification (germline): Likely benign. Review status: criteria provided, multiple submitters, no conflicts (2 of 4 stars). 3 submissions from 3 submitters: Likely benign (3). Last evaluated 2025-11-01.

Conditions:
Inborn genetic diseases. Identifiers: MedGen C0950123, MeSH D030342.

Submissions (3):

CeGaT Center for Human Genetics Tuebingen
Classification: Likely benign. Last evaluated: 2025-11-01. Review status: criteria provided, single submitter. Criteria: CeGaT Center For Human Genetics Tuebingen Variant Classification Criteria Version 2. Collection method: clinical testing. Allele origin: germline. Affected: yes. Observed: 8 variant alleles.
Comment: MN1: BS1

Laboratory of Genetics, Children's Clinical University Hospital Latvia
Classification: Likely benign. Last evaluated: 2025-02-16. Review status: criteria provided, single submitter. Criteria: ACMG Guidelines, 2015. Collection method: clinical testing. Allele origin: germline. Affected: yes.

Ambry Genetics
Classification: Likely benign for Inborn genetic diseases. Last evaluated: 2021-06-06. Review status: criteria provided, single submitter. Criteria: Ambry Variant Classification Scheme 2023. Collection method: clinical testing. Allele origin: germline.